The following is an entry in ClinVar:

NM_177438.3(DICER1):c.3986C>T (p.Thr1329Ile)

Gene: DICER1 (dicer 1, ribonuclease III; minus strand). Cytogenetic location: 14q32.13.
Variant type: single nucleotide variant.
Coding change: c.3986C>T on transcript NM_177438.3 (MANE Select); coding-DNA position 3986, C replaced by T.
Protein change: p.Thr1329Ile; replaces threonine 1329 with isoleucine.
Molecular consequence: missense variant. On other transcripts: non-coding transcript variant (6).
Genome position (GRCh38, 1-based): chr14:95,103,410, G>A on the plus strand (C>T on the coding strand, the complement: DICER1 is on the minus strand). VCF-style: chr14-95103410-G-A. GRCh37 (hg19) VCF-style: chr14-95569747-G-A.
Other names: c.3986C>T, p.Thr1329Ile (NM_001195573.1, NM_001271282.3, NM_001291628.2 and 13 more transcripts); c.3704C>T, p.Thr1235Ile (NM_001395686.1); c.3581C>T, p.Thr1194Ile (NM_001395687.1, NM_001395688.1, NM_001395689.1 and 2 more transcripts); c.3419C>T, p.Thr1140Ile (NM_001395691.1); c.2303C>T, p.Thr768Ile (NM_001395697.1); short protein forms T1140I, T1329I, T1194I, T1235I, T768I.
Identifiers: ClinVar variation 2163849 (VCV002163849.5), dbSNP rs878855261, ClinGen allele CA390873017.

ClinVar aggregate classification (germline): Uncertain significance. Review status: criteria provided, multiple submitters, no conflicts (2 of 4 stars). 2 submissions from 2 submitters: Uncertain significance (2). Last evaluated 2025-10-01.

Conditions:
Hereditary cancer-predisposing syndrome. Also called: Neoplastic Syndromes, Hereditary; Hereditary neoplastic syndrome; Hereditary Cancer Syndrome; Tumor predisposition. Identifiers: Orphanet 140162, MedGen C0027672, MeSH D009386, MONDO:0015356.
DICER1-related tumor predisposition. Also called: DICER1 syndrome; DICER1-related pleuropulmonary blastoma cancer predisposition syndrome. Identifiers: Orphanet 284343, MedGen C3839822, MONDO:0100216.

Submissions (2):

Labcorp Genetics (formerly Invitae), Labcorp
Classification: Uncertain significance for DICER1-related tumor predisposition. Last evaluated: 2025-10-01. Review status: criteria provided, single submitter. Criteria: Invitae Variant Classification Sherloc (09022015). Collection method: clinical testing. Allele origin: germline.
Comment: This sequence change replaces threonine, which is neutral and polar, with isoleucine, which is neutral and non-polar, at codon 1329 of the DICER1 protein (p.Thr1329Ile). This variant is not present in population databases (gnomAD no frequency). This variant has not been reported in the literature in individuals affected with DICER1-related conditions. ClinVar contains an entry for this variant (Variation ID: 2163849). Invitae Evidence Modeling of protein sequence and biophysical properties (such as structural, functional, and spatial information, amino acid conservation, physicochemical variation, residue mobility, and thermodynamic stability) indicates that this missense variant is not expected to disrupt DICER1 protein function with a negative predictive value of 95%. In summary, the available evidence is currently insufficient to determine the role of this variant in disease. Therefore, it has been classified as a Variant of Uncertain Significance.

Ambry Genetics
Classification: Uncertain significance for Hereditary cancer-predisposing syndrome. Last evaluated: 2024-12-12. Review status: criteria provided, single submitter. Criteria: Ambry Variant Classification Scheme 2023. Collection method: clinical testing. Allele origin: germline.
Comment: The p.T1329I variant (also known as c.3986C>T), located in coding exon 20 of the DICER1 gene, results from a C to T substitution at nucleotide position 3986. The threonine at codon 1329 is replaced by isoleucine, an amino acid with similar properties. This amino acid position is conserved. In addition, this alteration is predicted to be deleterious by in silico analysis. Based on the available evidence, the clinical significance of this variant remains unclear.